The following is an entry in ClinVar:

NM_024422.6(DSC2):c.658G>A (p.Gly220Arg)

Gene: DSC2 (desmocollin 2; minus strand). Cytogenetic location: 18q12.1.
Variant type: single nucleotide variant.
Coding change: c.658G>A on transcript NM_024422.6 (MANE Select); coding-DNA position 658, G replaced by A.
Protein change: p.Gly220Arg; replaces glycine 220 with arginine.
Molecular consequence: missense variant.
Genome position (GRCh38, 1-based): chr18:31,087,786, C>T on the plus strand (G>A on the coding strand, the complement: DSC2 is on the minus strand). VCF-style: chr18-31087786-C-T. GRCh37 (hg19) VCF-style: chr18-28667749-C-T.
Other names: c.658G>A, p.Gly220Arg (NM_004949.5); short protein forms G220R.
Identifiers: ClinVar variation 926742 (VCV000926742.19), dbSNP rs750961818, ClinGen allele CA039278.

ClinVar aggregate classification (germline): Uncertain significance. Review status: criteria provided, multiple submitters, no conflicts (2 of 4 stars). 8 submissions from 8 submitters: Uncertain significance (8). Last evaluated 2025-08-29.

Conditions:
Cardiovascular phenotype. Identifiers: MedGen CN230736.
Familial isolated arrhythmogenic right ventricular dysplasia. Identifiers: Orphanet 217656, MedGen C4274968, MONDO:0016342.
Arrhythmogenic right ventricular dysplasia 11. Also called: ARRHYTHMOGENIC RIGHT VENTRICULAR DYSPLASIA, FAMILIAL, 11; Arrhythmogenic Right Ventricular Dysplasia/Cardiomyopathy11; Arrhythmogenic right ventricular dysplasia 11 with mild palmoplantar keratoderma and woolly hair. Identifiers: MedGen C1864850, MONDO:0012506, OMIM 610476.
Cardiomyopathy (CMYO). Also called: Cardiomyopathies. Identifiers: Orphanet 167848, MedGen C0878544, MONDO:0004994, HP:0001638. Inheritance: Various modes of inheritance.

Allele frequency attached by ClinVar (database versions not stated): ExAC 0.00001; TOPMed 0.00002; gnomAD exomes below 0.00001; gnomAD 0.00002.
gnomAD v4.1: 8 of 1,613,714 alleles (0.0005%); highest among the groups gnomAD compares: African/African-American, 0.0013%; no homozygotes.

Submissions (8):

Labcorp Genetics (formerly Invitae), Labcorp
Classification: Uncertain significance for Arrhythmogenic right ventricular dysplasia 11. Last evaluated: 2025-08-29. Review status: criteria provided, single submitter. Criteria: Invitae Variant Classification Sherloc (09022015). Collection method: clinical testing. Allele origin: germline.
Comment: This sequence change replaces glycine, which is neutral and non-polar, with arginine, which is basic and polar, at codon 220 of the DSC2 protein (p.Gly220Arg). The frequency data for this variant in the population databases is considered unreliable, as metrics indicate poor data quality at this position in the gnomAD database. This missense change has been observed in individual(s) with clinical features of DSC2-related conditions (PMID: 20857253). ClinVar contains an entry for this variant (Variation ID: 926742). Invitae Evidence Modeling of protein sequence and biophysical properties (such as structural, functional, and spatial information, amino acid conservation, physicochemical variation, residue mobility, and thermodynamic stability) indicates that this missense variant is expected to disrupt DSC2 protein function with a positive predictive value of 80%. In summary, the available evidence is currently insufficient to determine the role of this variant in disease. Therefore, it has been classified as a Variant of Uncertain Significance.

Women's Health and Genetics/Laboratory Corporation of America, LabCorp
Classification: Uncertain significance. Last evaluated: 2024-11-12. Review status: criteria provided, single submitter. Criteria: LabCorp Variant Classification Summary - May 2015. Collection method: clinical testing. Allele origin: germline.
Comment: Variant summary: DSC2 c.658G>A (p.Gly220Arg) results in a non-conservative amino acid change located in the Cadherin-like domain (IPR002126) of the encoded protein sequence. Four of five in-silico tools predict a damaging effect of the variant on protein function. The variant allele was found at a frequency of 4e-06 in 251228 control chromosomes. The available data on variant occurrences in the general population are insufficient to allow any conclusion about variant significance. c.658G>A has been reported in the literature in at least one individual affected with Arrhythmogenic Right Ventricular Dysplasia/Cardiomyopathy (e.g. Tan_2010, te Riele_2013, Bhonsale_2015, Orgeron_2017). These report(s) do not provide unequivocal conclusions about association of the variant with Arrhythmogenic Right Ventricular Dysplasia/Cardiomyopathy. To our knowledge, no experimental evidence demonstrating an impact on protein function has been reported. The following publications have been ascertained in the context of this evaluation (PMID: 25616645, 28588093, 20857253, 23810894). ClinVar contains an entry for this variant (Variation ID: 926742). Based on the evidence outlined above, the variant was classified as uncertain significance.

All of Us Research Program, National Institutes of Health
Classification: Uncertain significance for Familial isolated arrhythmogenic right ventricular dysplasia. Last evaluated: 2024-05-30. Review status: criteria provided, single submitter. Criteria: ACMG Guidelines, 2015. Collection method: clinical testing. Allele origin: germline. Inheritance: Autosomal dominant inheritance. Observed: 3 variant alleles, 3 heterozygotes.
Comment: This missense variant replaces glycine with arginine at codon 220 of the DSC2 protein. Computational prediction tools and conservation analyses are inconclusive regarding the impact of this variant on the protein function. Computational splicing tools suggest that this variant may not impact RNA splicing. To our knowledge, functional assays have not been performed for this variant. This variant has been reported in individuals affected arrhythmogenic right ventricular cardiomyopathy (PMID: 20857253, 28588093). This variant has also been identified in 2/282632 chromosomes in the general population by the Genome Aggregation Database (gnomAD). Available evidence is insufficient to determine the role of this variant in disease conclusively. Therefore, this variant is classified as a Variant of Uncertain Significance.

This study involves interpretation of variants in research participants for the purpose of population health screening. Participant phenotype was not available at the time of variant classification. Additional details can be found in publication PMID: 35346344, PMCID: PMC8962531

Ambry Genetics
Classification: Uncertain significance for Cardiovascular phenotype. Last evaluated: 2024-04-11. Review status: criteria provided, single submitter. Criteria: Ambry Variant Classification Scheme 2023. Collection method: clinical testing. Allele origin: germline.
Comment: The p.G220R variant (also known as c.658G>A), located in coding exon 6 of the DSC2 gene, results from a G to A substitution at nucleotide position 658. The glycine at codon 220 is replaced by arginine, an amino acid with dissimilar properties. This alteration has been reported several times in arrhythmogenic right ventricular dysplasia/cardiomyopathy (ARVD/C) cohorts, but clinical details were limited and the study cohorts overlapped (Tan BY et al. J Cardiovasc Transl Res. 2010;3:663-73; Bhonsale A et al. Circ Arrhythm Electrophysiol. 2013;6:569-78; te Riele AS et al. J. Am. Coll. Cardiol. 2013;62:1761-9; Groeneweg JA et al. Circ Cardiovasc Genet. 2015;8:437-46). This amino acid position is highly conserved in available vertebrate species; however, arginine is the reference amino acid in other vertebrate species. In addition, the in silico prediction for this alteration is inconclusive. Since supporting evidence is limited at this time, the clinical significance of this alteration remains unclear.

Color Diagnostics, LLC DBA Color Health
Classification: Uncertain significance for Cardiomyopathy. Last evaluated: 2024-03-26. Review status: criteria provided, single submitter. Criteria: ACMG Guidelines, 2015. Collection method: clinical testing. Allele origin: germline.
Comment: This missense variant replaces glycine with arginine at codon 220 of the DSC2 protein. Computational prediction suggests that this variant may not impact protein structure and function. To our knowledge, functional studies have not been reported for this variant. This variant has not been reported in individuals affected with DSC2-related disorders in the literature. This variant has been identified in 2/282632 chromosomes in the general population by the Genome Aggregation Database (gnomAD). The available evidence is insufficient to determine the role of this variant in disease conclusively. Therefore, this variant is classified as a Variant of Uncertain Significance.

Fulgent Genetics
Classification: Uncertain significance for Arrhythmogenic right ventricular dysplasia 11. Last evaluated: 2021-08-03. Review status: criteria provided, single submitter. Criteria: ACMG Guidelines, 2015. Collection method: clinical testing. Allele origin: unknown.

Revvity Omics, Revvity
Classification: Uncertain significance for Arrhythmogenic right ventricular dysplasia 11. Last evaluated: 2020-12-10. Review status: criteria provided, single submitter. Criteria: ACMG Guidelines, 2015. Collection method: clinical testing. Allele origin: germline.

Center for Genomics, Ann and Robert H. Lurie Children's Hospital of Chicago
Classification: Uncertain significance for Arrhythmogenic right ventricular dysplasia 11. Review status: criteria provided, single submitter. Criteria: ACMG Guidelines, 2015. Collection method: clinical testing. Allele origin: germline.
Comment: DSC2 NM_024422.4 exon 6 p.Gly220Arg (c.658G>A): This variant has been reported in the literature in at least 1 individual with a clinical suspicion of ARVC (Tan 2010 PMID:20857253, Te Riele 2013 PMID:23810894). This variant is present in 1/8728 African alleles in the Genome Aggregation Database. Evolutionary conservation and computational predictive tools suggest that this variant may impact the protein. In summary, data on this variant is insufficient for disease classification. Therefore, the clinical significance of this variant is uncertain.

Literature cited by the submitters: PubMed 20857253 (cited by 4 submitters); PubMed 23810894 (cited by Women's Health and Genetics/Laboratory Corporation of America, LabCorp and Ambry Genetics); PubMed 25616645 (cited by Women's Health and Genetics/Laboratory Corporation of America, LabCorp); PubMed 28588093 (cited by 3 submitters); PubMed 23671136 (cited by Ambry Genetics); PubMed 25820315 (cited by Ambry Genetics).